The following is an entry in ClinVar:

ClinVar aggregate classification (germline): Likely benign. Review status: criteria provided, multiple submitters, no conflicts (2 of 4 stars). 3 submissions from 3 submitters: Likely benign (3). Last evaluated 2024-11-27.

Conditions:
Cardiomyopathy (CMYO). Also called: Cardiomyopathies. Identifiers: Orphanet 167848, MedGen C0878544, MONDO:0004994, HP:0001638. Inheritance: Various modes of inheritance.
Arrhythmogenic right ventricular dysplasia 5. Also called: Arrhythmogenic Right Ventricular Dysplasia/Cardiomyopathy 5; ARRHYTHMOGENIC RIGHT VENTRICULAR DYSPLASIA, FAMILIAL, 5. Identifiers: MedGen C1858379, MONDO:0011459, OMIM 604400.

Allele frequency attached by ClinVar (database versions not stated): gnomAD exomes below 0.00001; gnomAD 0.00001.

Submissions (3):

Labcorp Genetics (formerly Invitae), Labcorp
Classification: Likely benign for Arrhythmogenic right ventricular dysplasia 5. Last evaluated: 2024-11-27. Review status: criteria provided, single submitter. Criteria: Invitae Variant Classification Sherloc (09022015). Collection method: clinical testing. Allele origin: germline.

All of Us Research Program, National Institutes of Health
Classification: Likely benign for Arrhythmogenic right ventricular dysplasia 5. Last evaluated: 2023-04-28. Review status: criteria provided, single submitter. Criteria: ACMG Guidelines, 2015. Collection method: clinical testing. Allele origin: germline. Inheritance: Autosomal dominant inheritance. Observed: 1 variant allele, 1 heterozygote.
Comment: This study involves interpretation of variants in research participants for the purpose of population health screening. Participant phenotype was not available at the time of variant classification. Additional details can be found in publication PMID: 35346344, PMCID: PMC8962531

Color Diagnostics, LLC DBA Color Health
Classification: Likely benign for Cardiomyopathy. Last evaluated: 2018-11-11. Review status: criteria provided, single submitter. Criteria: ACMG Guidelines, 2015. Collection method: clinical testing. Allele origin: germline.

NM_024334.3(TMEM43):c.443-10C>T

Gene: TMEM43 (transmembrane protein 43; plus strand). Cytogenetic location: 3p25.1.
Variant type: single nucleotide variant.
Coding change: c.443-10C>T on transcript NM_024334.3 (MANE Select); 10 bases into the intron before coding-DNA position 443, C replaced by T.
Molecular consequence: intron variant.
Genome position (GRCh38, 1-based): chr3:14,132,856, C>T. VCF-style: chr3-14132856-C-T. GRCh37 (hg19) VCF-style: chr3-14174356-C-T.
Identifiers: ClinVar variation 925309 (VCV000925309.10), dbSNP rs1695115549, ClinGen allele CA913102176.